The following is an entry in ClinVar:

ClinVar aggregate classification (germline): Likely pathogenic (1 of 4 stars; one submission).

Conditions:
Ataxia-telangiectasia syndrome (AT). Also called: Cerebello-oculocutaneous telangiectasia; Immunodeficiency with ataxia telangiectasia; ATAXIA-TELANGIECTASIA, COMPLEMENTATION GROUP A; ATAXIA-TELANGIECTASIA, FRESNO VARIANT; Ataxia-telangiectasia, complementation group E; LOUIS-BAR SYNDROME. Identifiers: Orphanet 100, MedGen C0004135, MONDO:0008840, OMIM 208900.

Submission:

Labcorp Genetics (formerly Invitae), Labcorp
Classification: Likely pathogenic for Ataxia-telangiectasia syndrome. Last evaluated: 2021-08-06. Review status: criteria provided, single submitter. Criteria: Invitae Variant Classification Sherloc (09022015). Collection method: clinical testing. Allele origin: germline.
Comment: Algorithms developed to predict the effect of sequence changes on RNA splicing suggest that this variant may disrupt the consensus splice site. This variant results in the deletion of part of exon 9 (c.1066-1_1081del) of the ATM gene. It is expected to disrupt RNA splicing. Variants that disrupt the donor or acceptor splice site typically lead to a loss of protein function (PMID: 16199547), and loss-of-function variants in ATM are known to be pathogenic (PMID: 23807571, 25614872). This variant is not present in population databases (ExAC no frequency). This variant has not been reported in the literature in individuals affected with ATM-related conditions. In summary, the currently available evidence indicates that the variant is pathogenic, but additional data are needed to prove that conclusively. Therefore, this variant has been classified as Likely Pathogenic.

Literature cited by the submitters: PubMed 16199547; PubMed 23807571; PubMed 25614872.

NM_000051.4(ATM):c.1066-1_1081del

Gene: ATM (ATM serine/threonine kinase; plus strand). Cytogenetic location: 11q22.3.
Variant type: Deletion.
Coding change: c.1066-1_1081del on transcript NM_000051.4 (MANE Select); the canonical splice acceptor site of the intron before coding-DNA position 1066 through coding-DNA position 1081, 17 bases deleted (GGTTTTTAATGAAGATA).
Molecular consequence: splice acceptor variant.
Genome position (GRCh38, 1-based): chr11:108,248,932-108,248,948, GGTTTTTAATGAAGATA deleted; deleting any 17 consecutive bases within chr11:108,248,931-108,248,948 gives the same sequence; the c. name uses the placement nearest the transcript's 3' end. VCF-style (leftmost placement, unchanged base first): chr11-108248930-CAGGTTTTTAATGAAGAT-C. GRCh37 (hg19) VCF-style: chr11-108119657-CAGGTTTTTAATGAAGAT-C.
Other names: c.1066-1_1081del (NM_001351834.2).
Identifiers: ClinVar variation 1510465 (VCV001510465.6), dbSNP rs2135289838, ClinGen allele CA2573146456.